The following is an entry in ClinVar:

NM_001112741.2(KCNC1):c.1425C>T (p.Val475=)

Gene: KCNC1 (potassium voltage-gated channel subfamily C member 1; plus strand). Cytogenetic location: 11p15.1.
Variant type: single nucleotide variant.
Coding change: c.1425C>T on transcript NM_001112741.2 (MANE Select); coding-DNA position 1425, C replaced by T.
Protein change: p.Val475=; no amino-acid change (valine 475 retained).
Molecular consequence: synonymous variant.
Genome position (GRCh38, 1-based): chr11:17,772,519, C>T. VCF-style: chr11-17772519-C-T. GRCh37 (hg19) VCF-style: chr11-17794066-C-T.
Other names: c.1425C>T, p.Val475= (NM_004976.4); c.1425C>T (NM_001112741.1).
Identifiers: ClinVar variation 2102427 (VCV002102427.5), dbSNP rs755628813, ClinGen allele CA5906808.
Genomic context (GRCh38, chr11:17,772,519, plus strand): 5'-AAAAAAGAAGCATATTCCGCGGCCACCGCAGCTGGGATCTCCCAATTATTGTAAATCTGT[C>T]GTAAACTCTCCACACCACAGTACTCAGAGTGACACATGTCCGCTGGCCCAGGAAGAAATT-3'
Protein context (NP_001106212.1, residues 465-485): QLGSPNYCKS[Val475=]VNSPHHSTQS

ClinVar aggregate classification (germline): Conflicting classifications of pathogenicity. Review status: criteria provided, conflicting classifications (1 of 4 stars). 2 submissions from 2 submitters: Uncertain significance (1); Likely benign (1). Last evaluated 2026-02-24.

Conditions:
Progressive myoclonic epilepsy type 7. Identifiers: Orphanet 435438, MedGen C4015420, MONDO:0014521, OMIM 616187.

Allele frequency attached by ClinVar (database versions not stated): gnomAD exomes 0.00001; ExAC 0.00002; TOPMed below 0.00001.
gnomAD v4.1: 12 of 1,614,220 alleles (0.00074%); highest among the groups gnomAD compares: South Asian, 0.0022%; no homozygotes.

Submissions (2):

GeneDx
Classification: Uncertain significance. Last evaluated: 2026-02-24. Review status: criteria provided, single submitter. Criteria: GeneDx Variant Classification Process June 2021. Collection method: clinical testing. Allele origin: germline.
Comment: In silico analysis suggests that this variant does not alter splicing; Has not been previously published as pathogenic or benign to our knowledge

Labcorp Genetics (formerly Invitae), Labcorp
Classification: Likely benign for Progressive myoclonic epilepsy type 7. Last evaluated: 2024-10-24. Review status: criteria provided, single submitter. Criteria: Invitae Variant Classification Sherloc (09022015). Collection method: clinical testing. Allele origin: germline.